The following is an entry in ClinVar:

NM_002474.3(MYH11):c.2435A>G (p.Gln812Arg)

Gene: MYH11 (myosin heavy chain 11; minus strand). Cytogenetic location: 16p13.11.
Variant type: single nucleotide variant.
Coding change: c.2435A>G on transcript NM_002474.3 (MANE Select); coding-DNA position 2435, A replaced by G.
Protein change: p.Gln812Arg; replaces glutamine 812 with arginine.
Molecular consequence: missense variant.
Genome position (GRCh38, 1-based): chr16:15,745,214, T>C on the plus strand (A>G on the coding strand, the complement: MYH11 is on the minus strand). VCF-style: chr16-15745214-T-C. GRCh37 (hg19) VCF-style: chr16-15839071-T-C.
Other names: c.2456A>G, p.Gln819Arg (NM_001040113.2, NM_001040114.2); c.2435A>G, p.Gln812Arg (NM_022844.3); c.2435A>G (NM_002474.2); short protein forms Q812R, Q819R.
Identifiers: ClinVar variation 631450 (VCV000631450.14), dbSNP rs761891932, ClinGen allele CA7922269.
Genomic context (GRCh38, chr16:15,745,214, plus strand): 5'-CAGTTCCGCAGCTTGAGGTAGGCGGCGCAGTTCCTCTGAATCACCTTCATGGCGGTCAGC[T>C]GCTGCTGCCTCTTGGCAAAAGCCCTAGGGAGGGGGGAAGAGAAGGTGCGGGGGTCATGAA-3'
Protein context (NP_002465.1, residues 802-822): ARKAFAKRQQ[Gln812Arg]LTAMKVIQRN

ClinVar aggregate classification (germline): Uncertain significance. Review status: criteria provided, multiple submitters, no conflicts (2 of 4 stars). 5 submissions from 5 submitters: Uncertain significance (5). Last evaluated 2025-12-31.

Conditions:
Familial thoracic aortic aneurysm and aortic dissection (TAAD). Also called: Thoracic aortic aneurysms and dissections. Identifiers: Orphanet 91387, MedGen C4707243, MONDO:0019625.
Aortic aneurysm, familial thoracic 4 (AAT4). Also called: AORTIC ANEURYSM/AORTIC DISSECTION AND PATENT DUCTUS ARTERIOSUS. Identifiers: MedGen C1851504, MONDO:0007568, OMIM 132900.

Allele frequency attached by ClinVar (database versions not stated): TOPMed 0.00002; ExAC 0.00001; gnomAD 0.00003 and 0.00004; gnomAD exomes 0.00001.
gnomAD v4.1: 23 of 1,612,928 alleles (0.0014%); highest among the groups gnomAD compares: Admixed American, 0.0033%; no homozygotes.

Submissions (5):

Dasa
Classification: Uncertain significance. Last evaluated: 2025-12-31. Review status: criteria provided, single submitter. Criteria: DASA Assertion Criteria. Collection method: clinical testing. Allele origin: germline.
Comment: NM_002474.3(MYH11):c.2435A>G (p.Gln812Arg) is a missense variant that results in the substitution of glutamine with arginine. This variant is rare in population databases. The currently available literature and clinical evidence are not sufficient to establish a definitive association between this variant and the reported condition. Therefore, this variant is classified as a variant of uncertain significance.

Labcorp Genetics (formerly Invitae), Labcorp
Classification: Uncertain significance for Aortic aneurysm, familial thoracic 4. Last evaluated: 2025-11-15. Review status: criteria provided, single submitter. Criteria: Invitae Variant Classification Sherloc (09022015). Collection method: clinical testing. Allele origin: germline.
Comment: This sequence change replaces glutamine, which is neutral and polar, with arginine, which is basic and polar, at codon 819 of the MYH11 protein (p.Gln819Arg). This variant is present in population databases (rs761891932, gnomAD 0.003%). This missense change has been observed in individual(s) with aortic aneurysm (internal data). ClinVar contains an entry for this variant (Variation ID: 631450). Invitae Evidence Modeling of protein sequence and biophysical properties (such as structural, functional, and spatial information, amino acid conservation, physicochemical variation, residue mobility, and thermodynamic stability) indicates that this missense variant is not expected to disrupt MYH11 protein function with a negative predictive value of 95%. In summary, the available evidence is currently insufficient to determine the role of this variant in disease. Therefore, it has been classified as a Variant of Uncertain Significance.

Ambry Genetics
Classification: Uncertain significance for Familial thoracic aortic aneurysm and aortic dissection. Last evaluated: 2024-09-04. Review status: criteria provided, single submitter. Criteria: Ambry Variant Classification Scheme 2023. Collection method: clinical testing. Allele origin: germline.
Comment: The p.Q812R variant (also known as c.2435A>G), located in coding exon 19 of the MYH11 gene, results from an A to G substitution at nucleotide position 2435. The glutamine at codon 812 is replaced by arginine, an amino acid with highly similar properties. This amino acid position is conserved. In addition, the in silico prediction for this alteration is inconclusive. Based on the available evidence, the clinical significance of this variant remains unclear.

Color Diagnostics, LLC DBA Color Health
Classification: Uncertain significance for Familial thoracic aortic aneurysm and aortic dissection. Last evaluated: 2024-03-06. Review status: criteria provided, single submitter. Criteria: ACMG Guidelines, 2015. Collection method: clinical testing. Allele origin: germline.
Comment: This missense variant replaces glutamine with arginine at codon 819 of the MYH11 protein. Computational prediction suggests that this variant may not impact protein structure and function (internally defined REVEL score threshold <= 0.5, PMID: 27666373). To our knowledge, functional studies have not been reported for this variant. This variant has not been reported in individuals affected with cardiovascular disorders in the literature. This variant has been identified in 3/251322 chromosomes in the general population by the Genome Aggregation Database (gnomAD). The available evidence is insufficient to determine the role of this variant in disease conclusively. Therefore, this variant is classified as a Variant of Uncertain Significance.

All of Us Research Program, National Institutes of Health
Classification: Uncertain significance for Familial thoracic aortic aneurysm and aortic dissection. Last evaluated: 2023-12-18. Review status: criteria provided, single submitter. Criteria: ACMG Guidelines, 2015. Collection method: clinical testing. Allele origin: germline. Inheritance: Autosomal dominant inheritance. Observed: 7 variant alleles, 7 heterozygotes.
Comment: This missense variant replaces glutamine with arginine at codon 819 of the MYH11 protein. Computational prediction suggests that this variant may not impact protein structure and function (internally defined REVEL score threshold <= 0.5, PMID: 27666373). To our knowledge, functional studies have not been reported for this variant. This variant has not been reported in individuals affected with cardiovascular disorders in the literature. This variant has been identified in 3/251322 chromosomes in the general population by the Genome Aggregation Database (gnomAD). The available evidence is insufficient to determine the role of this variant in disease conclusively. Therefore, this variant is classified as a Variant of Uncertain Significance.

This study involves interpretation of variants in research participants for the purpose of population health screening. Participant phenotype was not available at the time of variant classification. Additional details can be found in publication PMID: 35346344, PMCID: PMC8962531